The following is an entry in ClinVar:

NM_007315.4(STAT1):c.1127+3A>G

Gene: STAT1 (signal transducer and activator of transcription 1; minus strand). Cytogenetic location: 2q32.2.
Variant type: single nucleotide variant.
Coding change: c.1127+3A>G on transcript NM_007315.4 (MANE Select); 3 bases into the intron after coding-DNA position 1127, A replaced by G.
Molecular consequence: intron variant.
Genome position (GRCh38, 1-based): chr2:190,987,036, T>C on the plus strand (A>G on the coding strand, the complement: STAT1 is on the minus strand). VCF-style: chr2-190987036-T-C. GRCh37 (hg19) VCF-style: chr2-191851762-T-C.
Other names: c.1037+3A>G (NM_001384890.1); c.1028+3A>G (NM_001384883.1); c.968+3A>G (NM_001384885.1); c.1034+3A>G (NM_001384887.1); c.1067+3A>G (NM_001384880.1); c.1098-89A>G (NM_001384888.1); c.1127+3A>G (NM_001384882.1, NM_001384889.1, NM_001384886.1 and 1 more transcripts); c.1163+3A>G (NM_001384891.1); and 1 more.
Identifiers: ClinVar variation 2002721 (VCV002002721.4), dbSNP rs2470466148, ClinGen allele CA2580065353.

ClinVar aggregate classification (germline): Uncertain significance (1 of 4 stars; one submission).

Conditions:
Immunodeficiency 31B. Also called: STAT1 DEFICIENCY, AUTOSOMAL RECESSIVE; IMMUNODEFICIENCY 31B, MYCOBACTERIAL AND VIRAL INFECTIONS, AUTOSOMAL RECESSIVE. Identifiers: Orphanet 391311, MedGen C3151088, MONDO:0013427, OMIM 613796.
Autoimmune enteropathy and endocrinopathy - susceptibility to chronic infections syndrome. Also called: Immunodeficiency 31C, autosomal dominant; Immunodeficiency 31C. Identifiers: Orphanet 391487, MedGen C3279990, MONDO:0013599, OMIM 614162.
Mendelian susceptibility to mycobacterial diseases due to partial STAT1 deficiency. Also called: IMMUNODEFICIENCY 31A, MYCOBACTERIOSIS, AUTOSOMAL DOMINANT; STAT1 DEFICIENCY, AUTOSOMAL DOMINANT; Immunodeficiency 31a. Identifiers: Orphanet 319595, MedGen C4013950, MONDO:0013956, OMIM 614892.

Submission:

Labcorp Genetics (formerly Invitae), Labcorp
Classification: Uncertain significance for Mendelian susceptibility to mycobacterial diseases due to partial STAT1 deficiency; Immunodeficiency 31B; Autoimmune enteropathy and endocrinopathy - susceptibility to chronic infections syndrome. Last evaluated: 2022-06-07. Review status: criteria provided, single submitter. Criteria: Invitae Variant Classification Sherloc (09022015). Collection method: clinical testing. Allele origin: germline.
Comment: This sequence change falls in intron 13 of the STAT1 gene. It does not directly change the encoded amino acid sequence of the STAT1 protein. It affects a nucleotide within the consensus splice site. This variant is not present in population databases (gnomAD no frequency). This variant has not been reported in the literature in individuals affected with STAT1-related conditions. Variants that disrupt the consensus splice site are a relatively common cause of aberrant splicing (PMID: 17576681, 9536098). Algorithms developed to predict the effect of sequence changes on RNA splicing suggest that this variant may disrupt the consensus splice site. In summary, the available evidence is currently insufficient to determine the role of this variant in disease. Therefore, it has been classified as a Variant of Uncertain Significance.

Literature cited by the submitters: PubMed 17576681; PubMed 9536098.